The following is an entry in ClinVar:

ClinVar aggregate classification (germline): Uncertain significance (1 of 4 stars; one submission).

Submission:

GeneDx
Classification: Uncertain significance. Last evaluated: 2026-02-21. Review status: criteria provided, single submitter. Criteria: GeneDx Variant Classification Process June 2021. Collection method: clinical testing. Allele origin: germline.
Comment: Frameshift variant predicted to result in protein truncation or nonsense mediated decay in a gene or region of a gene for which loss of function is not a well-established mechanism of disease; Not observed at significant frequency in large population cohorts (gnomAD); Has not been previously published as pathogenic or benign to our knowledge

NM_005188.4(CBL):c.415_418del (p.Arg139fs)

Gene: CBL (Cbl proto-oncogene; plus strand). Cytogenetic location: 11q23.3.
Variant type: Microsatellite.
Coding change: c.415_418del on transcript NM_005188.4 (MANE Select); coding-DNA positions 415 to 418, 4 bases deleted (AGAA; older notation c.415_418delAGAA).
Protein change: p.Arg139fs; shifts the reading frame from arginine 139.
Molecular consequence: frameshift variant.
Genome position (GRCh38, 1-based): chr11:119,232,667-119,232,670, AGAA deleted; deleting any 4 consecutive bases within chr11:119,232,661-119,232,670 gives the same sequence; the c. name uses the placement nearest the transcript's 3' end. VCF-style (leftmost placement, unchanged base first): chr11-119232660-AAAAG-A. GRCh37 (hg19) VCF-style: chr11-119103370-AAAAG-A.
Other names: short protein forms R139fs.
Identifiers: ClinVar variation 4282271 (VCV004282271.2).